The following is an entry in ClinVar:

ClinVar aggregate classification (germline): Likely pathogenic (1 of 4 stars; one submission).

Conditions:
Early-infantile DEE. Also called: Ohtahara syndrome; Early infantile epileptic encephalopathy; Early infantile epileptic encephalopathy with suppression bursts. Identifiers: Orphanet 1934, MedGen C0393706, MONDO:0800491.

Submission:

Labcorp Genetics (formerly Invitae), Labcorp
Classification: Likely pathogenic for Early-infantile DEE. Last evaluated: 2024-06-11. Review status: criteria provided, single submitter. Criteria: Invitae Variant Classification Sherloc (09022015). Collection method: clinical testing. Allele origin: germline.
Comment: This sequence change affects an acceptor splice site in intron 23 of the CACNA2D2 gene. It is expected to disrupt RNA splicing. Variants that disrupt the donor or acceptor splice site typically lead to a loss of protein function (PMID: 16199547), and loss-of-function variants in CACNA2D2 are known to be pathogenic (PMID: 24358150). This variant is present in population databases (no rsID available, gnomAD no frequency). This variant has not been reported in the literature in individuals affected with CACNA2D2-related conditions. Algorithms developed to predict the effect of sequence changes on RNA splicing suggest that this variant may disrupt the consensus splice site. In summary, the currently available evidence indicates that the variant is pathogenic, but additional data are needed to prove that conclusively. Therefore, this variant has been classified as Likely Pathogenic.

Literature cited by the submitters: PubMed 16199547; PubMed 24358150.

NM_006030.4(CACNA2D2):c.2046-1G>C

Gene: CACNA2D2 (calcium voltage-gated channel auxiliary subunit alpha2delta 2; minus strand). Cytogenetic location: 3p21.31.
Variant type: single nucleotide variant.
Coding change: c.2046-1G>C on transcript NM_006030.4 (MANE Select); the canonical splice acceptor site of the intron before coding-DNA position 2046, G replaced by C.
Molecular consequence: splice acceptor variant.
Genome position (GRCh38, 1-based): chr3:50,368,236, C>G on the plus strand (G>C on the coding strand, the complement: CACNA2D2 is on the minus strand). VCF-style: chr3-50368236-C-G. GRCh37 (hg19) VCF-style: chr3-50405667-C-G.
Other names: c.1839-1G>C (NM_001291101.1); c.2046-1G>C (NM_001005505.3, NM_001410768.1); c.2067-1G>C (NM_001174051.3).
Identifiers: ClinVar variation 3655691 (VCV003655691.2).